The following is an entry in ClinVar:

NM_000287.4(PEX6):c.402del (p.Gly135fs)

Gene: PEX6 (peroxisomal biogenesis factor 6; minus strand). Cytogenetic location: 6p21.1.
Variant type: Deletion.
Coding change: c.402del on transcript NM_000287.4 (MANE Select); coding-DNA position 402, one base deleted (C; older notation c.402delC).
Protein change: p.Gly135fs; shifts the reading frame from glycine 135.
Molecular consequence: frameshift variant. On other transcripts: non-coding transcript variant (1).
Genome position (GRCh38, 1-based): chr6:42,978,749, G deleted on the plus strand (C on the coding strand, the reverse complement: PEX6 is on the minus strand); the first of 3 consecutive G bases (chr6:42,978,749-42,978,751); deleting any one gives the same sequence. VCF-style (leftmost placement, unchanged base first): chr6-42978748-CG-C. GRCh37 (hg19) VCF-style: chr6-42946486-CG-C.
Other names: c.402del, p.Gly135fs (NM_001316313.2); c.402del (NM_000287.3); short protein forms G135fs.
Identifiers: ClinVar variation 2136394 (VCV002136394.9), dbSNP rs61753210, ClinGen allele CA138238321.

ClinVar aggregate classification (germline): Pathogenic. Review status: criteria provided, multiple submitters, no conflicts (2 of 4 stars). 5 submissions from 5 submitters: Pathogenic (5). Last evaluated 2024-12-11.

Conditions:
PEX6-related disorder. Also called: PEX6-related condition; PEX6-related disorders.
Zellweger spectrum disorders (ZS). Also called: Zellweger syndrome; Zellweger Spectrum Disorder (ZSD); Zellweger Spectrum Disorder; Zellweger Spectrum. Identifiers: Orphanet 912, MedGen C0043459, MONDO:0019609.
Peroxisome biogenesis disorder 4A (Zellweger) (PBD4A). Also called: Zellweger syndrome spectrum (PEX6-related). Identifiers: Orphanet 912, MedGen C3553936, MONDO:0013930, OMIM 614862. Disease mechanism: loss of function.
Peroxisome biogenesis disorder 4B (PBD4B). Also called: SPINOCEREBELLAR ATAXIA WITH BLINDNESS AND DEAFNESS 1. Identifiers: Orphanet 44, Orphanet 95433, MedGen C3553937, MONDO:0013931, OMIM 614863.
Heimler syndrome 2 (HMLR2). Also called: PEROXISOME BIOGENESIS DISORDER 4C. Identifiers: Orphanet 3220, MedGen C4225267, OMIM 616617, MONDO:0014709.
Peroxisome biogenesis disorder. Identifiers: Orphanet 79189, MedGen C1832200, MONDO:0019234. Disease mechanism: loss of function.

Submissions (5):

Natera, Inc.
Classification: Pathogenic for Zellweger syndrome. Last evaluated: 2024-12-11. Review status: criteria provided, single submitter. Criteria: Natera Variant Classification Schema (03/2026). Collection method: clinical testing. Allele origin: germline.
Comment: The c.402del variant in PEX6 is a frameshift variant predicted to shift the reading frame beginning at codon 135 and leads to a stop codon 23 codons downstream. This variant is expected to result in nonsense mediated decay, truncation, or a dysfunctional protein product. This variant is rare in the general population with a frequency below the threshold expected for the associated phenotype(s). This variant has been observed in one or more individuals affected with the associated recessive disease, as either homozygous or compound heterozygous with a second variant (PMID: 10408779, 19877282). Given the available evidence, this variant is classified as Pathogenic.

Fulgent Genetics
Classification: Pathogenic for Peroxisome biogenesis disorder 4A (Zellweger); Peroxisome biogenesis disorder 4B; Heimler syndrome 2. Last evaluated: 2024-04-23. Review status: criteria provided, single submitter. Criteria: ACMG Guidelines, 2015. Collection method: clinical testing. Allele origin: germline.

Baylor Genetics
Classification: Pathogenic for Heimler syndrome 2. Last evaluated: 2024-03-04. Review status: criteria provided, single submitter. Criteria: ACMG Guidelines, 2015. Collection method: clinical testing. Allele origin: unknown.

Labcorp Genetics (formerly Invitae), Labcorp
Classification: Pathogenic for Peroxisome biogenesis disorder. Last evaluated: 2023-10-24. Review status: criteria provided, single submitter. Criteria: Invitae Variant Classification Sherloc (09022015). Collection method: clinical testing. Allele origin: germline.
Comment: This sequence change creates a premature translational stop signal (p.Gly135Aspfs*23) in the PEX6 gene. It is expected to result in an absent or disrupted protein product. Loss-of-function variants in PEX6 are known to be pathogenic (PMID: 10408779, 21031596, 31831025). This variant is not present in population databases (gnomAD no frequency). This premature translational stop signal has been observed in individual(s) with Zellweger syndrome (PMID: 10408779). ClinVar contains an entry for this variant (Variation ID: 2136394). For these reasons, this variant has been classified as Pathogenic.

Blueprint Genetics
Classification: Pathogenic for PEX6-related disorders. Last evaluated: 2021-08-27. Review status: criteria provided, single submitter. Criteria: ACMG Guidelines, 2015. Collection method: clinical testing. Allele origin: germline. Affected: yes. Observed: 3 variant alleles.

Literature cited by the submitters: PubMed 10408779 (cited by Natera, Inc. and Labcorp Genetics (formerly Invitae), Labcorp); PubMed 19877282 (cited by Natera, Inc.); PubMed 21031596 (cited by Labcorp Genetics (formerly Invitae), Labcorp); PubMed 31831025 (cited by Labcorp Genetics (formerly Invitae), Labcorp).